The following is an entry in ClinVar:

NM_000085.5(CLCNKB):c.1408G>T (p.Gly470Trp)

Genes: CLCNKB (chloride voltage-gated channel Kb; plus strand), LOC106501713 (CLCNKB recombination region; plus strand). Cytogenetic location: 1p36.13.
Variant type: single nucleotide variant.
Coding change: c.1408G>T on transcript NM_000085.5 (MANE Select); coding-DNA position 1408, G replaced by T.
Protein change: p.Gly470Trp; replaces glycine 470 with tryptophan.
Molecular consequence: missense variant.
Genome position (GRCh38, 1-based): chr1:16,051,820, G>T. VCF-style: chr1-16051820-G-T. GRCh37 (hg19) VCF-style: chr1-16378315-G-T.
Other names: c.901G>T, p.Gly301Trp (NM_001165945.2); short protein forms G301W, G470W.
Identifiers: ClinVar variation 1339019 (VCV001339019.2), dbSNP rs2124102347, ClinGen allele CA338641783.
Genomic context (GRCh38, chr1:16,051,820, plus strand): 5'-GAGGGCATCGTGGCTGGAGGGATCACCAATCCCATCATGCCAGGGGGGTATGCTCTGGCA[G>T]GTGAGTGGGTCAGGGGCCTGCTGCGTGGGCAATGTCGTGCGGCTGGGCTGGACCTGGAGA-3'
Protein context (NP_000076.2, residues 460-480): PIMPGGYALA[Gly470Trp]AAAFSGAVTH

ClinVar aggregate classification (germline): Uncertain significance (1 of 4 stars; one submission).

Conditions:
Bartter disease type 3. Also called: Bartter syndrome type 3. Identifiers: Orphanet 112, Orphanet 93605, MedGen C1846343, MONDO:0011822, OMIM 607364.

Submission:

Neuberg Centre For Genomic Medicine, NCGM
Classification: Uncertain significance for Bartter disease type 3. Review status: criteria provided, single submitter. Criteria: ACMG Guidelines, 2015. Collection method: clinical testing. Allele origin: germline. Affected: yes.
Comment: The missense variant p.G470W in CLCNKB (NM_000085.5) has not been reported previously as a pathogenic variant nor as a benign variant, to our knowledge. The p.G470W variant is novel (not in any individuals) in gnomAD Exomes and is novel (not in any individuals) in 1000 Genomes. The p.G470W missense variant is predicted to be damaging by both SIFT and PolyPhen2. The glycine residue at codon 470 of CLCNKB is conserved in all mammalian species. The nucleotide c.1408 in CLCNKB is predicted conserved by GERP++ and PhyloP across 100 vertebrates. For these reasons, this variant has been classified as Uncertain Significance.